The following is an entry in ClinVar:

NM_001330260.2(SCN8A):c.157C>T (p.Pro53Ser)

Genes: SCN8A (sodium voltage-gated channel alpha subunit 8; plus strand), LOC114803470 (SCN8A eExon liver enhancer; plus strand). Cytogenetic location: 12q13.13.
Variant type: single nucleotide variant.
Coding change: c.157C>T on transcript NM_001330260.2 (MANE Select); coding-DNA position 157, C replaced by T.
Protein change: p.Pro53Ser; replaces proline 53 with serine.
Molecular consequence: missense variant.
Genome position (GRCh38, 1-based): chr12:51,662,974, C>T. VCF-style: chr12-51662974-C-T. GRCh37 (hg19) VCF-style: chr12-52056758-C-T.
Other names: c.157C>T, p.Pro53Ser (NM_001177984.3, NM_001369788.1, NM_014191.4); short protein forms P53S.
Identifiers: ClinVar variation 1045321 (VCV001045321.9), dbSNP rs1940954610, ClinGen allele CA385228088.

ClinVar aggregate classification (germline): Uncertain significance (1 of 4 stars; one submission).

Conditions:
Early-infantile DEE. Also called: Ohtahara syndrome; Early infantile epileptic encephalopathy with suppression bursts; Early infantile epileptic encephalopathy. Identifiers: Orphanet 1934, MedGen C0393706, MONDO:0800491.

Submission:

Labcorp Genetics (formerly Invitae), Labcorp
Classification: Uncertain significance for Early-infantile DEE. Last evaluated: 2022-05-22. Review status: criteria provided, single submitter. Criteria: Invitae Variant Classification Sherloc (09022015). Collection method: clinical testing. Allele origin: germline.
Comment: In summary, the available evidence is currently insufficient to determine the role of this variant in disease. Therefore, it has been classified as a Variant of Uncertain Significance. Algorithms developed to predict the effect of missense changes on protein structure and function are either unavailable or do not agree on the potential impact of this missense change (SIFT: "Deleterious"; PolyPhen-2: "Benign"; Align-GVGD: "Class C0"). ClinVar contains an entry for this variant (Variation ID: 1045321). This variant has not been reported in the literature in individuals affected with SCN8A-related conditions. This variant is not present in population databases (gnomAD no frequency). This sequence change replaces proline, which is neutral and non-polar, with serine, which is neutral and polar, at codon 53 of the SCN8A protein (p.Pro53Ser).